The following is an entry in ClinVar:

NM_018685.5(ANLN):c.1291C>T (p.Arg431Cys)

Gene: ANLN (anillin, actin binding protein; plus strand). Cytogenetic location: 7p14.2.
Variant type: single nucleotide variant.
Coding change: c.1291C>T on transcript NM_018685.5 (MANE Select); coding-DNA position 1291, C replaced by T.
Protein change: p.Arg431Cys; replaces arginine 431 with cysteine.
Molecular consequence: missense variant.
Genome position (GRCh38, 1-based): chr7:36,411,062, C>T. VCF-style: chr7-36411062-C-T. GRCh37 (hg19) VCF-style: chr7-36450671-C-T.
Other names: c.1291C>T, p.Arg431Cys (NM_001284301.3, NM_001284302.3); short protein forms R431C.
Identifiers: ClinVar variation 156221 (VCV000156221.4), dbSNP rs587777741, ClinGen allele CA170791.
Genomic context (GRCh38, chr7:36,411,062, plus strand): 5'-TTGGATGTTAAACATGCTACCGGCTCTTGTGTAAAATACAGCTTTTGATGGGTTTAGGAA[C>T]GTCAAAAAGAACTAGCATGTCTTCGTGGCCGATTTGACAAGGGCAATATATGGAGTGCAG-3'
Protein context (NP_061155.2, residues 421-441): THLAQQLKQE[Arg431Cys]QKELACLRGR

ClinVar aggregate classification (germline): Pathogenic/Likely pathogenic. Review status: criteria provided, multiple submitters, no conflicts (2 of 4 stars). 3 submissions from 3 submitters: Pathogenic (1); Likely pathogenic (1). 1 of the submissions does not count toward it. Last evaluated 2024-02-17.

Conditions:
Focal segmental glomerulosclerosis 8 (FSGS8). Identifiers: Orphanet 656, MedGen C4014993, MONDO:0014462, OMIM 616032.

Allele frequency attached by ClinVar (database versions not stated): gnomAD exomes 0.00002; TOPMed 0.00002; gnomAD 0.00003 and 0.00004.
gnomAD v4.1: 63 of 1,603,632 alleles (0.0039%); highest among the groups gnomAD compares: Non-Finnish European, 0.0052%; no homozygotes.

Submissions (3):

Labcorp Genetics (formerly Invitae), Labcorp
Classification: Likely pathogenic. Last evaluated: 2024-02-17. Review status: criteria provided, single submitter. Criteria: Invitae Variant Classification Sherloc (09022015). Collection method: clinical testing. Allele origin: germline.
Comment: This sequence change replaces arginine, which is basic and polar, with cysteine, which is neutral and slightly polar, at codon 431 of the ANLN protein (p.Arg431Cys). This variant is present in population databases (no rsID available, gnomAD 0.002%). This missense change has been observed in individuals with focal segmental glomerulosclerosis and/or steroid resistant nephrotic syndrome (PMID: 24676636, 30406062). It has also been observed to segregate with disease in related individuals. ClinVar contains an entry for this variant (Variation ID: 156221). Advanced modeling of protein sequence and biophysical properties (such as structural, functional, and spatial information, amino acid conservation, physicochemical variation, residue mobility, and thermodynamic stability) performed at Invitae indicates that this missense variant is expected to disrupt ANLN protein function with a positive predictive value of 80%. Experimental studies have shown that this missense change affects ANLN function (PMID: 24676636). In summary, the currently available evidence indicates that the variant is pathogenic, but additional data are needed to prove that conclusively. Therefore, this variant has been classified as Likely Pathogenic.

HudsonAlpha Institute for Biotechnology
Classification: Pathogenic for Focal segmental glomerulosclerosis 8. Last evaluated: 2022-09-26. Review status: criteria provided, single submitter. Criteria: ACMG Guidelines, 2015. Collection method: research. Allele origin: unknown. Observed: 1 variant allele. Study: HudsonAlpha-COAGS.
Comment: ACMG codes: PS3, PP1_Strong, PP3

OMIM
Classification: Pathogenic for FOCAL SEGMENTAL GLOMERULOSCLEROSIS 8. Last evaluated: 2014-09-01. Review status: no assertion criteria provided. Collection method: literature only. Allele origin: germline. Not counted in ClinVar's aggregate classification.

Literature cited by the submitters: PubMed 24676636 (cited by Labcorp Genetics (formerly Invitae), Labcorp and OMIM); PubMed 30406062 (cited by Labcorp Genetics (formerly Invitae), Labcorp).